The following is an entry in ClinVar:

ClinVar aggregate classification (germline): Uncertain significance (1 of 4 stars; one submission).

Conditions:
Immunodeficiency. Identifiers: MedGen C0021051, MONDO:0021094, HP:0002721.

gnomAD v4.1: 1 of 1,609,234 alleles (0.000062%); highest among the groups gnomAD compares: Non-Finnish European, 0.000085%; no homozygotes.

Submission:

Labcorp Genetics (formerly Invitae), Labcorp
Classification: Uncertain significance for Immunodeficiency. Last evaluated: 2025-09-09. Review status: criteria provided, single submitter. Criteria: Invitae Variant Classification Sherloc (09022015). Collection method: clinical testing. Allele origin: germline.
Comment: This sequence change replaces isoleucine, which is neutral and non-polar, with valine, which is neutral and non-polar, at codon 526 of the NFAT5 protein (p.Ile526Val). This variant is present in population databases (no rsID available, gnomAD 0.0009%). This variant has not been reported in the literature in individuals affected with NFAT5-related conditions. An algorithm developed to predict the effect of missense changes on protein structure and function (PolyPhen-2) suggests that this variant is likely to be tolerated. In summary, the available evidence is currently insufficient to determine the role of this variant in disease. Therefore, it has been classified as a Variant of Uncertain Significance.

NM_138713.4(NFAT5):c.1858A>G (p.Ile620Val)

Gene: NFAT5 (nuclear factor of activated T cells 5; plus strand). Cytogenetic location: 16q22.1.
Variant type: single nucleotide variant.
Coding change: c.1858A>G on transcript NM_138713.4 (MANE Select); coding-DNA position 1858, A replaced by G.
Protein change: p.Ile620Val; replaces isoleucine 620 with valine.
Molecular consequence: missense variant.
Genome position (GRCh38, 1-based): chr16:69,691,023, A>G. VCF-style: chr16-69691023-A-G. GRCh37 (hg19) VCF-style: chr16-69724926-A-G.
Other names: c.1855A>G, p.Ile619Val (NM_001113178.3); c.1183A>G, p.Ile395Val (NM_001367709.1); c.1804A>G, p.Ile602Val (NM_006599.4); c.1576A>G, p.Ile526Val (NM_138714.4, NM_173214.3, NM_173215.3); short protein forms I620V, I395V, I526V, I619V, I602V.
Identifiers: ClinVar variation 4754467 (VCV004754467.1).
Genomic context (GRCh38, chr16:69,691,023, plus strand): 5'-TTAGATAAGGTAAATATTATCCCTAATGCCCTGATGACTCCACTCATACCAAGCAGTATG[A>G]TTAAGAGTGAAGATGTTACTCCAATGGAAGTAACAGCAGAAAAAAGATCTTCCACTATTT-3'
Protein context (NP_619727.2, residues 610-630): LMTPLIPSSM[Ile620Val]KSEDVTPMEV